The following is an entry in ClinVar:

ClinVar aggregate classification (germline): Uncertain significance (1 of 4 stars; one submission).

gnomAD v4.1: 1 of 1,601,400 alleles (0.000062%); highest among the groups gnomAD compares: South Asian, 0.0011%; no homozygotes.

Submission:

Ambry Genetics
Classification: Uncertain significance. Last evaluated: 2024-12-08. Review status: criteria provided, single submitter. Criteria: Ambry Variant Classification Scheme 2023. Collection method: clinical testing. Allele origin: germline.
Comment: The p.A429V variant (also known as c.1286C>T), located in coding exon 9 of the CTNNA3 gene, results from a C to T substitution at nucleotide position 1286. The alanine at codon 429 is replaced by valine, an amino acid with similar properties. This amino acid position is conserved. In addition, the in silico prediction for this alteration is inconclusive. Based on the available evidence, the clinical significance of this variant remains unclear.

NM_013266.4(CTNNA3):c.1286C>T (p.Ala429Val)

Gene: CTNNA3 (catenin alpha 3; minus strand). Cytogenetic location: 10q21.3.
Variant type: single nucleotide variant.
Coding change: c.1286C>T on transcript NM_013266.4 (MANE Select); coding-DNA position 1286, C replaced by T.
Protein change: p.Ala429Val; replaces alanine 429 with valine.
Molecular consequence: missense variant.
Genome position (GRCh38, 1-based): chr10:66,621,780, G>A on the plus strand (C>T on the coding strand, the complement: CTNNA3 is on the minus strand). VCF-style: chr10-66621780-G-A. GRCh37 (hg19) VCF-style: chr10-68381538-G-A.
Other names: c.1286C>T, p.Ala429Val (NM_001127384.3); short protein forms A429V.
Identifiers: ClinVar variation 3498329 (VCV003498329.1).